The following is an entry in ClinVar:

ClinVar aggregate classification (germline): Likely pathogenic (1 of 4 stars; one submission).

Conditions:
BAP1-related tumor predisposition syndrome (TPDS1). Also called: TUMOR PREDISPOSITION SYNDROME 1; BAP1 tumor predisposition syndrome; Tumor susceptibility linked to germline BAP1 mutations; COMMON Syndrome. Identifiers: Orphanet 289539, MedGen C3280492, MONDO:0013692, OMIM 614327.

Allele frequency attached by ClinVar (database versions not stated): gnomAD exomes below 0.00001.
gnomAD v4.1: 1 of 1,614,204 alleles (0.000062%); highest among the groups gnomAD compares: Non-Finnish European, 0.000085%; no homozygotes.

Submission:

Labcorp Genetics (formerly Invitae), Labcorp
Classification: Likely pathogenic for BAP1-related tumor predisposition syndrome. Last evaluated: 2022-09-21. Review status: criteria provided, single submitter. Criteria: Invitae Variant Classification Sherloc (09022015). Collection method: clinical testing. Allele origin: germline.
Comment: This sequence change affects an acceptor splice site in intron 5 of the BAP1 gene. It is expected to disrupt RNA splicing. Variants that disrupt the donor or acceptor splice site typically lead to a loss of protein function (PMID: 16199547), and loss-of-function variants in BAP1 are known to be pathogenic (PMID: 21874000, 23684012). In summary, the currently available evidence indicates that the variant is pathogenic, but additional data are needed to prove that conclusively. Therefore, this variant has been classified as Likely Pathogenic. Algorithms developed to predict the effect of sequence changes on RNA splicing suggest that this variant may disrupt the consensus splice site. ClinVar contains an entry for this variant (Variation ID: 939249). Disruption of this splice site has been observed in individual(s) with uveal melanoma and cervical tumor (PMID: 30517737). This variant is not present in population databases (gnomAD no frequency).

Literature cited by the submitters: PubMed 16199547; PubMed 21874000; PubMed 23684012; PubMed 30517737.

NM_004656.4(BAP1):c.376-2A>G

Gene: BAP1 (BRCA1 associated deubiquitinase 1; minus strand). Cytogenetic location: 3p21.1.
Variant type: single nucleotide variant.
Coding change: c.376-2A>G on transcript NM_004656.4 (MANE Select); the canonical splice acceptor site of the intron before coding-DNA position 376, A replaced by G.
Molecular consequence: splice acceptor variant.
Genome position (GRCh38, 1-based): chr3:52,407,462, T>C on the plus strand (A>G on the coding strand, the complement: BAP1 is on the minus strand). VCF-style: chr3-52407462-T-C. GRCh37 (hg19) VCF-style: chr3-52441478-T-C.
Other names: c.376-2A>G (NM_001410772.1).
Identifiers: ClinVar variation 939249 (VCV000939249.7), dbSNP rs1705203543, ClinGen allele CA353111416.